The following is an entry in ClinVar:

ClinVar aggregate classification (germline): Uncertain significance. Review status: criteria provided, multiple submitters, no conflicts (2 of 4 stars). 2 submissions from 2 submitters: Uncertain significance (2). Last evaluated 2023-06-26.

Conditions:
Beckwith-Wiedemann syndrome (BWS). Also called: Exomphalos macroglossia gigantism syndrome; EMG SYNDROME. Identifiers: Orphanet 116, MedGen C0004903, MONDO:0007534, OMIM 130650.

Allele frequency attached by ClinVar (database versions not stated): gnomAD exomes below 0.00001; gnomAD 0.00001; TOPMed 0.00001.

Submissions (2):

Baylor Genetics
Classification: Uncertain significance for Beckwith-Wiedemann syndrome. Last evaluated: 2023-06-26. Review status: criteria provided, single submitter. Criteria: ACMG Guidelines, 2015. Collection method: clinical testing. Allele origin: unknown.

Labcorp Genetics (formerly Invitae), Labcorp
Classification: Uncertain significance for Beckwith-Wiedemann syndrome. Last evaluated: 2023-01-16. Review status: criteria provided, single submitter. Criteria: Invitae Variant Classification Sherloc (09022015). Collection method: clinical testing. Allele origin: germline.
Comment: Advanced modeling of protein sequence and biophysical properties (such as structural, functional, and spatial information, amino acid conservation, physicochemical variation, residue mobility, and thermodynamic stability) performed at Invitae indicates that this missense variant is not expected to disrupt CDKN1C protein function. ClinVar contains an entry for this variant (Variation ID: 845038). This variant has not been reported in the literature in individuals affected with CDKN1C-related conditions. In summary, the available evidence is currently insufficient to determine the role of this variant in disease. Therefore, it has been classified as a Variant of Uncertain Significance. This variant is present in population databases (no rsID available, gnomAD 0.007%). This sequence change replaces alanine, which is neutral and non-polar, with serine, which is neutral and polar, at codon 55 of the CDKN1C protein (p.Ala55Ser).

NM_001122630.2(CDKN1C):c.130G>T (p.Ala44Ser)

Gene: CDKN1C (cyclin dependent kinase inhibitor 1C; minus strand). Cytogenetic location: 11p15.4.
Variant type: single nucleotide variant.
Coding change: c.130G>T on transcript NM_001122630.2 (MANE Select); coding-DNA position 130, G replaced by T.
Protein change: p.Ala44Ser; replaces alanine 44 with serine.
Molecular consequence: missense variant.
Genome position (GRCh38, 1-based): chr11:2,885,327, C>A on the plus strand (G>T on the coding strand, the complement: CDKN1C is on the minus strand). VCF-style: chr11-2885327-C-A. GRCh37 (hg19) VCF-style: chr11-2906557-C-A.
Other names: c.163G>T, p.Ala55Ser (NM_000076.2, NM_001362474.2); c.130G>T, p.Ala44Ser (NM_001122631.2, NM_001362475.2); short protein forms A44S, A55S.
Identifiers: ClinVar variation 845038 (VCV000845038.10), dbSNP rs1013973901, ClinGen allele CA216367459.